The following is an entry in ClinVar:

ClinVar aggregate classification (germline): Uncertain significance. Review status: criteria provided, multiple submitters, no conflicts (2 of 4 stars). 2 submissions from 2 submitters: Uncertain significance (2). Last evaluated 2024-11-11.

Conditions:
Cardiac arrhythmia. Also called: Cardiac rhythm disease; Arrhythmia. Identifiers: MedGen C0003811, MONDO:0007263, HP:0011675.
Long QT syndrome (LQTS). Identifiers: MedGen C0023976, MeSH D008133, MONDO:0002442. Disease mechanism: loss of function. Inheritance: Various modes of inheritance.

Allele frequency attached by ClinVar (database versions not stated): gnomAD exomes below 0.00001; gnomAD 0.00001.
gnomAD v4.1: 2 of 1,598,460 alleles (0.00013%); highest among the groups gnomAD compares: Admixed American, 0.0034%; no homozygotes.

Submissions (2):

Labcorp Genetics (formerly Invitae), Labcorp
Classification: Uncertain significance for Long QT syndrome. Last evaluated: 2024-11-11. Review status: criteria provided, single submitter. Criteria: Invitae Variant Classification Sherloc (09022015). Collection method: clinical testing. Allele origin: germline.
Comment: This sequence change replaces serine, which is neutral and polar, with arginine, which is basic and polar, at codon 1098 of the KCNH2 protein (p.Ser1098Arg). This variant is present in population databases (no rsID available, gnomAD 0.003%). This variant has not been reported in the literature in individuals affected with KCNH2-related conditions. ClinVar contains an entry for this variant (Variation ID: 928123). An algorithm developed to predict the effect of missense changes on protein structure and function (PolyPhen-2) suggests that this variant is likely to be tolerated. In summary, the available evidence is currently insufficient to determine the role of this variant in disease. Therefore, it has been classified as a Variant of Uncertain Significance.

Color Diagnostics, LLC DBA Color Health
Classification: Uncertain significance for Cardiac arrhythmia. Last evaluated: 2023-12-04. Review status: criteria provided, single submitter. Criteria: ACMG Guidelines, 2015. Collection method: clinical testing. Allele origin: germline.
Comment: Variant of Uncertain Significance due to insufficient evidence: This missense variant replaces serine with arginine at codon 1098 of the KCNH2 protein. Computational prediction tools and conservation analyses are inconclusive regarding the impact of this variant on the protein function. Computational splicing tools suggest that this variant may not impact RNA splicing. To our knowledge, functional assays have not been performed for this variant nor has this variant been reported in individuals affected with cardiovascular disorders in the literature. This variant has been identified in 1/241398 chromosomes in the general population by the Genome Aggregation Database (gnomAD). Available evidence is insufficient to determine the role of this variant in disease conclusively.

NM_000238.4(KCNH2):c.3294C>G (p.Ser1098Arg)

Gene: KCNH2 (potassium voltage-gated channel subfamily H member 2; minus strand). Cytogenetic location: 7q36.1.
Variant type: single nucleotide variant.
Coding change: c.3294C>G on transcript NM_000238.4 (MANE Select); coding-DNA position 3294, C replaced by G.
Protein change: p.Ser1098Arg; replaces serine 1098 with arginine.
Molecular consequence: missense variant.
Genome position (GRCh38, 1-based): chr7:150,946,913, G>C on the plus strand (C>G on the coding strand, the complement: KCNH2 is on the minus strand). VCF-style: chr7-150946913-G-C. GRCh37 (hg19) VCF-style: chr7-150644001-G-C.
Other names: c.2274C>G, p.Ser758Arg (NM_172057.3); short protein forms S1098R, S758R.
Identifiers: ClinVar variation 928123 (VCV000928123.11), dbSNP rs1203403811, ClinGen allele CA369851990.